The following is an entry in ClinVar:

ClinVar aggregate classification (germline): Likely benign (1 of 4 stars; one submission).

Allele frequency attached by ClinVar (database versions not stated): ESP Exome Variant Server 0.00008; 1000 Genomes Project 30x 0.00016; TOPMed 0.00017; 1000 Genomes Project 0.00020; ExAC 0.00029.
gnomAD v4.1: 314 of 1,614,060 alleles (0.019%); highest among the groups gnomAD compares: South Asian, 0.016%; 2 homozygotes.

Submission:

CeGaT Center for Human Genetics Tuebingen
Classification: Likely benign. Last evaluated: 2022-09-01. Review status: criteria provided, single submitter. Criteria: CeGaT Center For Human Genetics Tuebingen Variant Classification Criteria Version 2. Collection method: clinical testing. Allele origin: germline. Affected: yes. Observed: 1 variant allele.
Comment: BNIP5: BP4

NM_001010903.5(BNIP5):c.193T>C (p.Ser65Pro)

Gene: BNIP5 (BCL2 interacting protein 5; minus strand). Cytogenetic location: 6p21.31.
Variant type: single nucleotide variant.
Coding change: c.193T>C on transcript NM_001010903.5 (MANE Select); coding-DNA position 193, T replaced by C.
Protein change: p.Ser65Pro; replaces serine 65 with proline.
Molecular consequence: missense variant.
Genome position (GRCh38, 1-based): chr6:36,330,498, A>G on the plus strand (T>C on the coding strand, the complement: BNIP5 is on the minus strand). VCF-style: chr6-36330498-A-G. GRCh37 (hg19) VCF-style: chr6-36298275-A-G.
Other names: short protein forms S65P.
Identifiers: ClinVar variation 2656515 (VCV002656515.24), dbSNP rs201336652, ClinGen allele CA3778749.